The following is an entry in ClinVar:

ClinVar aggregate classification (germline): Uncertain significance (1 of 4 stars; one submission).

Conditions:
Cardiovascular phenotype. Identifiers: MedGen CN230736.

gnomAD v4.1: 4 of 1,614,102 alleles (0.00025%); highest among the groups gnomAD compares: Non-Finnish European, 0.00034%; no homozygotes.

Submission:

Ambry Genetics
Classification: Uncertain significance for Cardiovascular phenotype. Last evaluated: 2024-04-28. Review status: criteria provided, single submitter. Criteria: Ambry Variant Classification Scheme 2023. Collection method: clinical testing. Allele origin: germline.
Comment: The p.G524R variant (also known as c.1570G>C), located in coding exon 11 of the ABCG8 gene, results from a G to C substitution at nucleotide position 1570. The glycine at codon 524 is replaced by arginine, an amino acid with dissimilar properties. This amino acid position is conserved. In addition, this alteration is predicted to be tolerated by in silico analysis. Based on the available evidence, the clinical significance of this variant remains unclear.

NM_022437.3(ABCG8):c.1570G>C (p.Gly524Arg)

Gene: ABCG8 (ATP binding cassette subfamily G member 8; plus strand). Cytogenetic location: 2p21.
Variant type: single nucleotide variant.
Coding change: c.1570G>C on transcript NM_022437.3 (MANE Select); coding-DNA position 1570, G replaced by C.
Protein change: p.Gly524Arg; replaces glycine 524 with arginine.
Molecular consequence: missense variant.
Genome position (GRCh38, 1-based): chr2:43,875,227, G>C. VCF-style: chr2-43875227-G-C. GRCh37 (hg19) VCF-style: chr2-44102366-G-C.
Other names: c.1567G>C, p.Gly523Arg (NM_001357321.2); short protein forms G524R, G523R.
Identifiers: ClinVar variation 3313353 (VCV003313353.1).
Genomic context (GRCh38, chr2:43,875,227, plus strand): 5'-CACTGTGCCTACATCATCATCTACGGGATGCCCACCTACTGGCTGGCCAACCTGAGGCCA[G>C]GCCTCCAGCCCTTCCTGCTGCACTTCCTGCTGGTGTGGCTGGTGGTCTTCTGTTGCAGGA-3'
Protein context (NP_071882.1, residues 514-534): PTYWLANLRP[Gly524Arg]LQPFLLHFLL